The following is an entry in ClinVar:

ClinVar aggregate classification (germline): Uncertain significance (1 of 4 stars; one submission).

Conditions:
Gorlin syndrome. Also called: Nevoid Basal Cell Carcinoma Syndrome; Basal cell nevus syndrome. Identifiers: Orphanet 377, MedGen C0004779, MONDO:0007187.

Allele frequency attached by ClinVar (database versions not stated): gnomAD exomes below 0.00001; ExAC 0.00001; gnomAD 0.00001; 1000 Genomes Project 30x 0.00016; 1000 Genomes Project 0.00020.
gnomAD v4.1: 3 of 1,614,220 alleles (0.00019%); highest among the groups gnomAD compares: East Asian, 0.0022%; no homozygotes.

Submission:

Labcorp Genetics (formerly Invitae), Labcorp
Classification: Uncertain significance for Gorlin syndrome. Last evaluated: 2022-05-28. Review status: criteria provided, single submitter. Criteria: Invitae Variant Classification Sherloc (09022015). Collection method: clinical testing. Allele origin: germline.
Comment: This variant has not been reported in the literature in individuals affected with PTCH2-related conditions. In summary, the available evidence is currently insufficient to determine the role of this variant in disease. Therefore, it has been classified as a Variant of Uncertain Significance. Algorithms developed to predict the effect of missense changes on protein structure and function (SIFT, PolyPhen-2, Align-GVGD) all suggest that this variant is likely to be tolerated. This variant is present in population databases (rs563526229, gnomAD 0.006%). This sequence change replaces valine, which is neutral and non-polar, with leucine, which is neutral and non-polar, at codon 58 of the PTCH2 protein (p.Val58Leu).

NM_003738.5(PTCH2):c.172G>C (p.Val58Leu)

Gene: PTCH2 (patched 2; minus strand). Cytogenetic location: 1p34.1.
Variant type: single nucleotide variant.
Coding change: c.172G>C on transcript NM_003738.5 (MANE Select); coding-DNA position 172, G replaced by C.
Protein change: p.Val58Leu; replaces valine 58 with leucine.
Molecular consequence: missense variant.
Genome position (GRCh38, 1-based): chr1:44,841,940, C>G on the plus strand (G>C on the coding strand, the complement: PTCH2 is on the minus strand). VCF-style: chr1-44841940-C-G. GRCh37 (hg19) VCF-style: chr1-45307612-C-G.
Other names: c.172G>C, p.Val58Leu (NM_001166292.2); short protein forms V58L.
Identifiers: ClinVar variation 2157877 (VCV002157877.4), dbSNP rs563526229, ClinGen allele CA823729.
Genomic context (GRCh38, chr1:44,841,940, plus strand): 5'-TAATGGCCATGCGGAGACCTAATGCCAGGGCCCCAAAGGCCAACAGTCCCAGAAAGAGCA[C>G]TTTGCCACAATGTCTCTGGATCCCGCATCCCAGAGAGAAGAGCAGGCCCTGGAAGTAAGC-3'
Protein context (NP_003729.3, residues 48-68): GCGIQRHCGK[Val58Leu]LFLGLLAFGA